The following is an entry in ClinVar:

ClinVar aggregate classification (germline): Likely pathogenic (1 of 4 stars; one submission).

Conditions:
IFT74-related disorder. Also called: IFT74-Related Disorders; IFT74-related condition.

Submission:

PreventionGenetics, part of Exact Sciences
Classification: Likely pathogenic for IFT74-related condition. Last evaluated: 2026-01-02. Review status: criteria provided, single submitter. Criteria: ACMG Guidelines, 2015. Collection method: clinical testing. Allele origin: germline.
Comment: The IFT74 c.223C>T variant is predicted to result in premature protein termination (p.Gln75*). To our knowledge, this variant has not been reported in the literature or in a large population database (gnomAD), indicating this variant is rare. Nonsense variants in IFT74 are expected to be pathogenic. This variant is interpreted as likely pathogenic.

NM_025103.4(IFT74):c.223C>T (p.Gln75Ter)

Gene: IFT74 (intraflagellar transport 74; plus strand). Cytogenetic location: 9p21.2.
Variant type: single nucleotide variant.
Coding change: c.223C>T on transcript NM_025103.4 (MANE Select); coding-DNA position 223, C replaced by T.
Protein change: p.Gln75Ter; replaces glutamine 75 with a stop codon.
Molecular consequence: nonsense.
Genome position (GRCh38, 1-based): chr9:26,978,230, C>T. VCF-style: chr9-26978230-C-T. GRCh37 (hg19) VCF-style: chr9-26978228-C-T.
Other names: c.223C>T, p.Gln75Ter (NM_001099222.3, NM_001099223.3, NM_001099224.3 and 1 more transcripts); short protein forms Q75*.
Identifiers: ClinVar variation 4994767 (VCV004994767.1).